The following is an entry in ClinVar:

ClinVar aggregate classification (germline): Likely benign. Review status: criteria provided, multiple submitters, no conflicts (2 of 4 stars). 3 submissions from 3 submitters: Likely benign (2). 1 of the submissions does not count toward it. Last evaluated 2019-12-31.

Conditions:
XIRP1-related disorder. Also called: XIRP1-related condition.

Allele frequency attached by ClinVar (database versions not stated): gnomAD exomes 0.00015 and 0.00042; ExAC 0.00047; 1000 Genomes Project 0.00160; gnomAD 0.00166 and 0.00180; 1000 Genomes Project 30x 0.00172; ESP Exome Variant Server 0.00200; TOPMed 0.00215.

Submissions (3):

Labcorp Genetics (formerly Invitae), Labcorp
Classification: Likely benign. Last evaluated: 2019-12-31. Review status: criteria provided, single submitter. Criteria: Invitae Variant Classification Sherloc (09022015). Collection method: clinical testing. Allele origin: germline.

Breakthrough Genomics
Classification: Likely benign. Review status: criteria provided, single submitter. Criteria: ACMG Guidelines, 2015. Collection method: not provided. Allele origin: germline. Inheritance: Unknown mechanism. Affected: yes.

PreventionGenetics, part of Exact Sciences
Classification: Likely benign for XIRP1-related condition. Last evaluated: 2019-08-28. Review status: no assertion criteria provided. Collection method: clinical testing. Allele origin: germline. Not counted in ClinVar's aggregate classification.
Comment: This variant is classified as likely benign based on ACMG/AMP sequence variant interpretation guidelines (Richards et al. 2015 PMID: 25741868, with internal and published modifications).

NM_194293.4(XIRP1):c.617G>A (p.Arg206His)

Gene: XIRP1 (xin actin binding repeat containing 1; minus strand). Cytogenetic location: 3p22.2.
Variant type: single nucleotide variant.
Coding change: c.617G>A on transcript NM_194293.4 (MANE Select); coding-DNA position 617, G replaced by A.
Protein change: p.Arg206His; replaces arginine 206 with histidine.
Molecular consequence: missense variant. On other transcripts: intron variant (1).
Genome position (GRCh38, 1-based): chr3:39,188,829, C>T on the plus strand (G>A on the coding strand, the complement: XIRP1 is on the minus strand). VCF-style: chr3-39188829-C-T. GRCh37 (hg19) VCF-style: chr3-39230320-C-T.
Other names: c.617G>A, p.Arg206His (NM_001198621.4); c.-167-3168G>A (NM_001351377.2); short protein forms R206H.
Identifiers: ClinVar variation 712983 (VCV000712983.7), dbSNP rs149500349, ClinGen allele CA2326693.